The following is an entry in ClinVar:

NM_006509.4(RELB):c.817T>C (p.Ser273Pro)

Gene: RELB (RELB proto-oncogene, NF-kB subunit; plus strand). Cytogenetic location: 19q13.32.
Variant type: single nucleotide variant.
Coding change: c.817T>C on transcript NM_006509.4 (MANE Select); coding-DNA position 817, T replaced by C.
Protein change: p.Ser273Pro; replaces serine 273 with proline.
Molecular consequence: missense variant.
Genome position (GRCh38, 1-based): chr19:45,025,668, T>C. VCF-style: chr19-45025668-T-C. GRCh37 (hg19) VCF-style: chr19-45528926-T-C.
Other names: c.808T>C, p.Ser270Pro (NM_001411087.1); short protein forms S270P, S273P.
Identifiers: ClinVar variation 2126936 (VCV002126936.4), dbSNP rs2513651495, ClinGen allele CA406299931.

ClinVar aggregate classification (germline): Uncertain significance (1 of 4 stars; one submission).

Submission:

Labcorp Genetics (formerly Invitae), Labcorp
Classification: Uncertain significance. Last evaluated: 2022-04-16. Review status: criteria provided, single submitter. Criteria: Invitae Variant Classification Sherloc (09022015). Collection method: clinical testing. Allele origin: germline.
Comment: In summary, the available evidence is currently insufficient to determine the role of this variant in disease. Therefore, it has been classified as a Variant of Uncertain Significance. Algorithms developed to predict the effect of missense changes on protein structure and function are either unavailable or do not agree on the potential impact of this missense change (SIFT: "Deleterious"; PolyPhen-2: "Benign"; Align-GVGD: "Class C0"). This variant has not been reported in the literature in individuals affected with RELB-related conditions. This variant is not present in population databases (gnomAD no frequency). This sequence change replaces serine, which is neutral and polar, with proline, which is neutral and non-polar, at codon 273 of the RELB protein (p.Ser273Pro).